The following is an entry in ClinVar:

NM_001693.4(ATP6V1B2):c.1388T>C (p.Ile463Thr)

Gene: ATP6V1B2 (ATPase H+ transporting V1 subunit B2; plus strand). Cytogenetic location: 8p21.3.
Variant type: single nucleotide variant.
Coding change: c.1388T>C on transcript NM_001693.4 (MANE Select); coding-DNA position 1388, T replaced by C.
Protein change: p.Ile463Thr; replaces isoleucine 463 with threonine.
Molecular consequence: missense variant.
Genome position (GRCh38, 1-based): chr8:20,218,274, T>C. VCF-style: chr8-20218274-T-C. GRCh37 (hg19) VCF-style: chr8-20075785-T-C.
Other names: short protein forms I463T.
Identifiers: ClinVar variation 2658458 (VCV002658458.24), dbSNP rs2486473281, ClinGen allele CA370473776.

ClinVar aggregate classification (germline): Uncertain significance (1 of 4 stars; one submission).

Submission:

CeGaT Center for Human Genetics Tuebingen
Classification: Uncertain significance. Last evaluated: 2023-01-01. Review status: criteria provided, single submitter. Criteria: CeGaT Center For Human Genetics Tuebingen Variant Classification Criteria Version 2. Collection method: clinical testing. Allele origin: germline. Affected: yes. Observed: 1 variant allele.
Comment: ATP6V1B2: PM2